The following is an entry in ClinVar:

ClinVar aggregate classification (germline): Benign/Likely benign. Review status: criteria provided, multiple submitters, no conflicts (2 of 4 stars). 10 submissions from 9 submitters: Benign (7); Likely benign (1). 2 of the submissions do not count toward it. Last evaluated 2026-05-09.

Conditions:
Familial hyperthyroidism due to mutations in TSH receptor. Also called: HYPERTHYROIDISM, CONGENITAL NONAUTOIMMUNE; HYPERTHYROIDISM, NONAUTOIMMUNE, AUTOSOMAL DOMINANT; TOXIC THYROID HYPERPLASIA, AUTOSOMAL DOMINANT. Identifiers: Orphanet 424, MedGen C1836706, MONDO:0012203, OMIM 609152.
Hypothyroidism due to TSH receptor mutations. Also called: Hypothyroidism, congenital, nongoitrous, 1; HYPOTHYROIDISM DUE TO UNRESPONSIVENESS TO THYROTROPIN; HYPOTHYROIDISM, CONGENITAL, DUE TO TSH RESISTANCE; HYPOTHYROIDISM, NONAUTOIMMUNE; THYROID-STIMULATING HORMONE, RESISTANCE TO; TSH RESISTANCE. Identifiers: Orphanet 90673, MedGen C3493776, MONDO:0010142, OMIM 275200.

Allele frequency attached by ClinVar (database versions not stated): gnomAD exomes 0.15056 and 0.18242; ExAC 0.19129; gnomAD 0.25959 and 0.26593; ESP Exome Variant Server 0.26972; TOPMed 0.27097; 1000 Genomes Project 0.30012; 1000 Genomes Project 30x 0.30294.
gnomAD v4.1: 260,346 of 1,613,102 alleles (16%); highest among the groups gnomAD compares: African/African-American, 55%; 28,533 homozygotes.

Submissions (10):

Women's Health and Genetics/Laboratory Corporation of America, LabCorp
Classification: Benign. Last evaluated: 2026-05-09. Review status: criteria provided, single submitter. Criteria: LabCorp Variant Classification Summary - May 2015. Collection method: clinical testing. Allele origin: germline.

Labcorp Genetics (formerly Invitae), Labcorp
Classification: Benign. Last evaluated: 2026-02-04. Review status: criteria provided, single submitter. Criteria: Invitae Variant Classification Sherloc (09022015). Collection method: clinical testing. Allele origin: germline.

Blueprint Genetics
Classification: Likely benign. Last evaluated: 2024-11-27. Review status: criteria provided, single submitter. Criteria: ACMG Guidelines, 2015. Collection method: clinical testing. Allele origin: germline.

GeneDx
Classification: Benign. Last evaluated: 2018-11-12. Review status: criteria provided, single submitter. Criteria: GeneDx Variant Classification Process June 2021. Collection method: clinical testing. Allele origin: germline. Affected: yes.

Illumina Laboratory Services, Illumina
Classification: Benign for Familial hyperthyroidism due to mutations in TSH receptor. Last evaluated: 2018-01-12. Review status: criteria provided, single submitter. Criteria: ICSL Variant Classification Criteria 13 December 2019. Collection method: clinical testing. Allele origin: germline.
Comment: This variant was observed in the ICSL laboratory as part of a predisposition screen in an ostensibly healthy population. It had not been previously curated by ICSL or reported in the Human Gene Mutation Database (HGMD: prior to June 1st, 2018), and was therefore a candidate for classification through an automated scoring system. Utilizing variant allele frequency, disease prevalence and penetrance estimates, and inheritance mode, an automated score was calculated to assess if this variant is too frequent to cause the disease. Based on the score and internal cut-off values, a variant classified as benign is not then subjected to further curation. The score for this variant resulted in a classification of benign for this disease.

Illumina Laboratory Services, Illumina
Classification: Benign for Hypothyroidism due to TSH receptor mutations. Last evaluated: 2018-01-12. Review status: criteria provided, single submitter. Criteria: ICSL Variant Classification Criteria 13 December 2019. Collection method: clinical testing. Allele origin: germline.
Comment: the same text as in the submission from Illumina Laboratory Services, Illumina above.

Breakthrough Genomics
Classification: Benign. Review status: criteria provided, single submitter. Criteria: ACMG Guidelines, 2015. Collection method: not provided. Allele origin: germline. Inheritance: Autosomal recessive inheritance. Affected: yes.

PreventionGenetics, part of Exact Sciences
Classification: Benign. Review status: criteria provided, single submitter. Criteria: ACMG Guidelines, 2015. Collection method: clinical testing. Allele origin: germline.

Clinical Genetics DNA and cytogenetics Diagnostics Lab, Erasmus MC, Erasmus Medical Center
Classification: Benign. Review status: no assertion criteria provided. Collection method: clinical testing. Allele origin: germline. Affected: yes. Study: VKGL Data-share Consensus. Not counted in ClinVar's aggregate classification.

Clinical Genetics, Academic Medical Center
Classification: Benign. Review status: no assertion criteria provided. Collection method: clinical testing. Allele origin: germline. Affected: yes. Study: VKGL Data-share Consensus. Not counted in ClinVar's aggregate classification.

NM_000369.5(TSHR):c.561T>C (p.Asn187=)

Genes: TSHR (thyroid stimulating hormone receptor; plus strand), TSHR-AS1 (TSHR antisense RNA 1; minus strand). Cytogenetic location: 14q31.1.
Variant type: single nucleotide variant.
Coding change: c.561T>C on transcript NM_000369.5 (MANE Select); coding-DNA position 561, T replaced by C.
Protein change: p.Asn187=; no amino-acid change (asparagine 187 retained).
Molecular consequence: synonymous variant.
Genome position (GRCh38, 1-based): chr14:81,096,654, T>C. VCF-style: chr14-81096654-T-C. GRCh37 (hg19) VCF-style: chr14-81562998-T-C.
Other names: c.561T>C, p.Asn187= (NM_001018036.3, NM_001142626.3).
Identifiers: ClinVar variation 255953 (VCV000255953.15), dbSNP rs2075179, ClinGen allele CA7294190.